The following is an entry in ClinVar:

ClinVar aggregate classification (germline): Conflicting classifications of pathogenicity. Review status: criteria provided, conflicting classifications (1 of 4 stars). 4 submissions from 4 submitters: Uncertain significance (1); Likely benign (2). 1 of the submissions does not count toward it. Last evaluated 2026-02-02.

Conditions:
DCHS1-related disorder. Also called: DCHS1-related condition.
Inborn genetic diseases. Identifiers: MedGen C0950123, MeSH D030342.

Allele frequency attached by ClinVar (database versions not stated): ESP Exome Variant Server 0.00054; TOPMed 0.00055; gnomAD 0.00056 and 0.00060; 1000 Genomes Project 30x 0.00078; 1000 Genomes Project 0.00080.

Submissions (6):

Labcorp Genetics (formerly Invitae), Labcorp
Classification: Likely benign. Last evaluated: 2026-02-02. Review status: criteria provided, single submitter. Criteria: Invitae Variant Classification Sherloc (09022015). Collection method: clinical testing. Allele origin: germline.

Ambry Genetics
Classification: Likely benign for Inborn genetic diseases. Last evaluated: 2025-08-12. Review status: criteria provided, single submitter. Criteria: Ambry Variant Classification Scheme 2023. Collection method: clinical testing. Allele origin: germline.

GeneDx
Classification: Uncertain significance. Last evaluated: 2024-08-15. Review status: criteria provided, single submitter. Criteria: GeneDx Variant Classification Process June 2021. Collection method: clinical testing. Allele origin: germline. Affected: yes.
Comment: In silico analysis supports that this missense variant has a deleterious effect on protein structure/function; Has not been previously published as pathogenic or benign to our knowledge

PreventionGenetics, part of Exact Sciences
Classification: Likely benign for DCHS1-related condition. Last evaluated: 2024-04-30. Review status: no assertion criteria provided. Collection method: clinical testing. Allele origin: germline. Not counted in ClinVar's aggregate classification.
Comment: This variant is classified as likely benign based on ACMG/AMP sequence variant interpretation guidelines (Richards et al. 2015 PMID: 25741868, with internal and published modifications).

Dr. Peter K. Rogan Lab, Western University
No classification provided (evidence only). Condition: Familial cancer of breast. Review status: no classification provided. Collection method: in vitro. Allele origin: not applicable. Functional consequence: retained intron. Not counted in ClinVar's aggregate classification.

Dr. Peter K. Rogan Lab, Western University
No classification provided (evidence only). Condition: Ovarian serous cystadenocarcinoma. Review status: no classification provided. Collection method: in vitro. Allele origin: not applicable. Functional consequence: retained intron. Not counted in ClinVar's aggregate classification.

NM_003737.4(DCHS1):c.7192G>T (p.Val2398Phe)

Gene: DCHS1 (dachsous cadherin-related 1; minus strand). Cytogenetic location: 11p15.4.
Variant type: single nucleotide variant.
Coding change: c.7192G>T on transcript NM_003737.4 (MANE Select); coding-DNA position 7192, G replaced by T.
Protein change: p.Val2398Phe; replaces valine 2398 with phenylalanine.
Molecular consequence: missense variant.
Genome position (GRCh38, 1-based): chr11:6,624,823, C>A on the plus strand (G>T on the coding strand, the complement: DCHS1 is on the minus strand). VCF-style: chr11-6624823-C-A. GRCh37 (hg19) VCF-style: chr11-6646054-C-A.
Other names: c.7192G>T (NM_003737.2); short protein forms V2398F.
Identifiers: ClinVar variation 1202914 (VCV001202914.12), dbSNP rs145939548, ClinGen allele CA5859660.
Genomic context (GRCh38, chr11:6,624,823, plus strand): 5'-GGGAAGCCAGGTGGTAGGAAATGTGACCGTTGGCACCTGAGTCCCGATCAGTGGCAGAGA[C>A]GGAGAGAATGGCACTGCCTGGGGGTGTGTGCTCAAGCAGCATTACCTGAAGTGTGAGGAA-3'
Protein context (NP_003728.1, residues 2388-2408): HTPPGSAILS[Val2398Phe]SATDRDSGAN